The following is an entry in ClinVar:

NM_012282.4(KCNE5):c.64C>T (p.His22Tyr)

Gene: KCNE5 (potassium voltage-gated channel subfamily E regulatory subunit 5; minus strand). Cytogenetic location: Xq23.
Variant type: single nucleotide variant.
Coding change: c.64C>T on transcript NM_012282.4 (MANE Select); coding-DNA position 64, C replaced by T.
Protein change: p.His22Tyr; replaces histidine 22 with tyrosine.
Molecular consequence: missense variant.
Genome position (GRCh38, 1-based): chrX:109,624,957, G>A on the plus strand (C>T on the coding strand, the complement: KCNE5 is on the minus strand). VCF-style: chrX-109624957-G-A. GRCh37 (hg19) VCF-style: chrX-108868186-G-A.
Other names: short protein forms H22Y.
Identifiers: ClinVar variation 1958262 (VCV001958262.5), dbSNP rs773486581, ClinGen allele CA10490904.

ClinVar aggregate classification (germline): Uncertain significance (1 of 4 stars; one submission).

Conditions:
Brugada syndrome. Also called: Sudden unexpected nocturnal death syndrome; Sudden Unexplained Death Syndrome; Sudden Unexplained Nocturnal Death Syndrome (SUNDS); Sudden unexplained nocturnal death syndrome. Identifiers: Orphanet 130, MedGen C1142166, MONDO:0015263.

Allele frequency attached by ClinVar (database versions not stated): ExAC 0.00002.

Submission:

Labcorp Genetics (formerly Invitae), Labcorp
Classification: Uncertain significance for Brugada syndrome. Last evaluated: 2022-04-08. Review status: criteria provided, single submitter. Criteria: Invitae Variant Classification Sherloc (09022015). Collection method: clinical testing. Allele origin: germline.
Comment: This sequence change replaces histidine, which is basic and polar, with tyrosine, which is neutral and polar, at codon 22 of the KCNE5 protein (p.His22Tyr). This variant is present in population databases (rs773486581, gnomAD 0.001%). This variant has not been reported in the literature in individuals affected with KCNE5-related conditions. Algorithms developed to predict the effect of missense changes on protein structure and function output the following: SIFT: "Deleterious"; PolyPhen-2: "Probably Damaging"; Align-GVGD: "Class C65". The tyrosine amino acid residue is found in multiple mammalian species, which suggests that this missense change does not adversely affect protein function. In summary, the available evidence is currently insufficient to determine the role of this variant in disease. Therefore, it has been classified as a Variant of Uncertain Significance.